The following is an entry in ClinVar:

NM_001042492.3(NF1):c.4424C>G (p.Ala1475Gly)

Gene: NF1 (neurofibromin 1; plus strand). Cytogenetic location: 17q11.2.
Variant type: single nucleotide variant.
Coding change: c.4424C>G on transcript NM_001042492.3 (MANE Select); coding-DNA position 4424, C replaced by G.
Protein change: p.Ala1475Gly; replaces alanine 1475 with glycine.
Molecular consequence: missense variant.
Genome position (GRCh38, 1-based): chr17:31,259,123, C>G. VCF-style: chr17-31259123-C-G. GRCh37 (hg19) VCF-style: chr17-29586141-C-G.
Other names: c.4361C>G, p.Ala1454Gly (NM_000267.4); short protein forms A1454G, A1475G.
Identifiers: ClinVar variation 1740017 (VCV001740017.2), dbSNP rs2151463210, ClinGen allele CA398999000.
Genomic context (GRCh38, chr17:31,259,123, plus strand): 5'-TCACAAAAGAAGAACATATGCGGCCTTTCAATGATTTTGTGAAAAGCAACTTTGATGCAG[C>G]ACGCAGGTAATTTTCTTGCCACTTACTCAGTTGCTCTGTTTGAATCAAATATTTTCGGTT-3'
Protein context (NP_001035957.1, residues 1465-1485): NDFVKSNFDA[Ala1475Gly]RRFFLDIASD

ClinVar aggregate classification (germline): Uncertain significance (1 of 4 stars; one submission).

Conditions:
Cardiovascular phenotype. Identifiers: MedGen CN230736.
Hereditary cancer-predisposing syndrome. Also called: Hereditary Cancer Syndrome; Hereditary neoplastic syndrome; Neoplastic Syndromes, Hereditary; Tumor predisposition. Identifiers: Orphanet 140162, MedGen C0027672, MeSH D009386, MONDO:0015356.

Submission:

Ambry Genetics
Classification: Uncertain significance for Cardiovascular phenotype; Hereditary cancer-predisposing syndrome. Last evaluated: 2022-04-26. Review status: criteria provided, single submitter. Criteria: Ambry Variant Classification Scheme 2023. Collection method: clinical testing. Allele origin: germline.
Comment: The p.A1454G variant (also known as c.4361C>G), located in coding exon 32 of the NF1 gene, results from a C to G substitution at nucleotide position 4361. The alanine at codon 1454 is replaced by glycine, an amino acid with similar properties. This amino acid position is conserved. In addition, the in silico prediction for this alteration is inconclusive. Since supporting evidence is limited at this time, the clinical significance of this alteration remains unclear.